The following is an entry in ClinVar:

ClinVar aggregate classification (germline): Uncertain significance (1 of 4 stars; one submission).

Allele frequency attached by ClinVar (database versions not stated): gnomAD exomes below 0.00001; ExAC 0.00001; gnomAD 0.00001; TOPMed 0.00001; ESP Exome Variant Server 0.00008.
gnomAD v4.1: 4 of 1,613,888 alleles (0.00025%); highest among the groups gnomAD compares: Admixed American, 0.0033%; no homozygotes.

Submission:

Labcorp Genetics (formerly Invitae), Labcorp
Classification: Uncertain significance. Last evaluated: 2024-10-23. Review status: criteria provided, single submitter. Criteria: Invitae Variant Classification Sherloc (09022015). Collection method: clinical testing. Allele origin: germline.
Comment: This sequence change replaces aspartic acid, which is acidic and polar, with tyrosine, which is neutral and polar, at codon 1130 of the ITPR1 protein (p.Asp1130Tyr). This variant is present in population databases (rs377443898, gnomAD 0.003%). This variant has not been reported in the literature in individuals affected with ITPR1-related conditions. ClinVar contains an entry for this variant (Variation ID: 1943246). Invitae Evidence Modeling of protein sequence and biophysical properties (such as structural, functional, and spatial information, amino acid conservation, physicochemical variation, residue mobility, and thermodynamic stability) indicates that this missense variant is not expected to disrupt ITPR1 protein function with a negative predictive value of 95%. In summary, the available evidence is currently insufficient to determine the role of this variant in disease. Therefore, it has been classified as a Variant of Uncertain Significance.

NM_001378452.1(ITPR1):c.3460G>T (p.Asp1154Tyr)

Gene: ITPR1 (inositol 1,4,5-trisphosphate receptor type 1; plus strand). Cytogenetic location: 3p26.1.
Variant type: single nucleotide variant.
Coding change: c.3460G>T on transcript NM_001378452.1 (MANE Select); coding-DNA position 3460, G replaced by T.
Protein change: p.Asp1154Tyr; replaces aspartic acid 1154 with tyrosine.
Molecular consequence: missense variant.
Genome position (GRCh38, 1-based): chr3:4,683,760, G>T. VCF-style: chr3-4683760-G-T. GRCh37 (hg19) VCF-style: chr3-4725444-G-T.
Other names: c.3433G>T, p.Asp1145Tyr (NM_001099952.4); c.3415G>T, p.Asp1139Tyr (NM_001168272.2); c.3388G>T, p.Asp1130Tyr (NM_002222.7); short protein forms D1130Y, D1139Y, D1154Y, D1145Y.
Identifiers: ClinVar variation 1943246 (VCV001943246.5), dbSNP rs377443898, ClinGen allele CA2231669.